The following is an entry in ClinVar:

NM_001267550.2(TTN):c.94447A>C (p.Thr31483Pro)

Genes: TTN (titin; minus strand), TTN-AS1 (TTN antisense RNA 1; plus strand). Cytogenetic location: 2q31.2.
Variant type: single nucleotide variant.
Coding change: c.94447A>C on transcript NM_001267550.2 (MANE Select); coding-DNA position 94447, A replaced by C.
Protein change: p.Thr31483Pro; replaces threonine 31483 with proline.
Molecular consequence: missense variant.
Genome position (GRCh38, 1-based): chr2:178,547,078, T>G on the plus strand (A>C on the coding strand, the complement: TTN is on the minus strand). VCF-style: chr2-178547078-T-G. GRCh37 (hg19) VCF-style: chr2-179411805-T-G.
Other names: c.89524A>C, p.Thr29842Pro (NM_001256850.1); c.67252A>C, p.Thr22418Pro (NM_003319.4); c.86743A>C, p.Thr28915Pro (NM_133378.4); c.67627A>C, p.Thr22543Pro (NM_133432.3); c.67828A>C, p.Thr22610Pro (NM_133437.4); short protein forms T22418P, T22543P, T22610P, T28915P, T29842P, T31483P.
Identifiers: ClinVar variation 3340752 (VCV003340752.1).
Genomic context (GRCh38, chr2:178,547,078, plus strand): 5'-CCATTATAGGTCTTGAAGCTTCGCTGGCCTTGCTAACACCTGCAGCATTGAGTGCATAAG[T>G]TCTGAACTGATATTCCAGTCCTTCTACTAAACCAGTTACTTTGTAGTTGCACTCTAAGCA-3'
Protein context (NP_001254479.2, residues 31473-31493): LVEGLEYQFR[Thr31483Pro]YALNAAGVSK

ClinVar aggregate classification (germline): Uncertain significance (1 of 4 stars; one submission).

Submission:

GeneDx
Classification: Uncertain significance. Last evaluated: 2024-01-25. Review status: criteria provided, single submitter. Criteria: GeneDx Variant Classification Process June 2021. Collection method: clinical testing. Allele origin: germline. Affected: yes.
Comment: Not observed at significant frequency in large population cohorts (gnomAD); Missense variant in a gene in which most reported pathogenic variants are truncating/loss of function; Has not been previously published as pathogenic or benign to our knowledge